The following is an entry in ClinVar:

NM_004608.4(TBX6):c.110_112dup (p.Arg37_Tyr38insCys)

Gene: TBX6 (T-box transcription factor 6; minus strand). Cytogenetic location: 16p11.2.
Variant type: Duplication.
Coding change: c.110_112dup on transcript NM_004608.4 (MANE Select); coding-DNA positions 110 to 112, 3 bases duplicated (GCT; older notation c.110_112dupGCT).
Protein change: p.Arg37_Tyr38insCys.
Molecular consequence: inframe insertion.
Genome position (GRCh38, 1-based): chr16:30,091,082-30,091,084, AGC duplicated on the plus strand (GCT on the coding strand, the reverse complement: TBX6 is on the minus strand). VCF-style (leftmost placement, unchanged base first): chr16-30091081-T-TAGC. GRCh37 (hg19) VCF-style: chr16-30102402-T-TAGC.
Identifiers: ClinVar variation 4995005 (VCV004995005.1).

ClinVar aggregate classification (germline): Uncertain significance (1 of 4 stars; one submission).

Conditions:
TBX6-related disorder. Also called: TBX6-related condition.

Submission:

PreventionGenetics, part of Exact Sciences
Classification: Uncertain significance for TBX6-related condition. Last evaluated: 2025-10-12. Review status: criteria provided, single submitter. Criteria: ACMG Guidelines, 2015. Collection method: clinical testing. Allele origin: germline.
Comment: The TBX6 c.110_112dupGCT variant is predicted to result in an in-frame duplication (p.Arg37_Tyr38insCys). To our knowledge, this variant has not been reported in the literature or in a large population database (gnomAD), indicating this variant is rare. At this time, the clinical significance of this variant is uncertain due to the absence of conclusive functional and genetic evidence.